The following is an entry in ClinVar:

NM_001123385.2(BCOR):c.387C>A (p.Pro129=)

Gene: BCOR (BCL6 corepressor; minus strand). Cytogenetic location: Xp11.4.
Variant type: single nucleotide variant.
Coding change: c.387C>A on transcript NM_001123385.2 (MANE Select); coding-DNA position 387, C replaced by A.
Protein change: p.Pro129=; no amino-acid change (proline 129 retained).
Molecular consequence: synonymous variant.
Genome position (GRCh38, 1-based): chrX:40,074,959, G>T on the plus strand (C>A on the coding strand, the complement: BCOR is on the minus strand). VCF-style: chrX-40074959-G-T. GRCh37 (hg19) VCF-style: chrX-39934212-G-T.
Other names: c.387C>A, p.Pro129= (NM_001123383.2, NM_001123384.2, NM_017745.6).
Identifiers: ClinVar variation 2141682 (VCV002141682.8), dbSNP rs769854762, ClinGen allele CA10387051.

ClinVar aggregate classification (germline): Likely benign. Review status: criteria provided, multiple submitters, no conflicts (2 of 4 stars). 2 submissions from 2 submitters: Likely benign (2). Last evaluated 2026-02-01.

Conditions:
Oculofaciocardiodental syndrome (MCOPS2). Identifiers: Orphanet 2712, MedGen C1846265, MONDO:0010261, OMIM 300166.

Allele frequency attached by ClinVar (database versions not stated): ExAC 0.00002.
gnomAD v4.1: 32 of 1,208,806 alleles (0.0026%); highest among the groups gnomAD compares: Non-Finnish European, 0.0029%; no homozygotes.

Submissions (2):

CeGaT Center for Human Genetics Tuebingen
Classification: Likely benign. Last evaluated: 2026-02-01. Review status: criteria provided, single submitter. Criteria: CeGaT Center For Human Genetics Tuebingen Variant Classification Criteria Version 2. Collection method: clinical testing. Allele origin: germline. Affected: yes. Observed: 1 variant allele.
Comment: BCOR: BP4, BP7, BS2

Labcorp Genetics (formerly Invitae), Labcorp
Classification: Likely benign for Oculofaciocardiodental syndrome. Last evaluated: 2022-05-12. Review status: criteria provided, single submitter. Criteria: Invitae Variant Classification Sherloc (09022015). Collection method: clinical testing. Allele origin: germline.